The following is an entry in ClinVar:

NM_001386795.1(DTNA):c.1002-2330A>G

Gene: DTNA (dystrobrevin alpha; plus strand). Cytogenetic location: 18q12.1.
Variant type: single nucleotide variant.
Coding change: c.1002-2330A>G on transcript NM_001386795.1 (MANE Select); 2330 bases into the intron before coding-DNA position 1002, A replaced by G.
Molecular consequence: intron variant.
Genome position (GRCh38, 1-based): chr18:34,825,263, A>G. VCF-style: chr18-34825263-A-G. GRCh37 (hg19) VCF-style: chr18-32405227-A-G.
Other names: c.1002-4A>G (NM_032975.4, NM_001386761.1, NM_001386762.1 and 6 more transcripts); c.1002-2330A>G (NM_001386754.1, NM_001386755.1, NM_001386760.1 and 26 more transcripts); c.603+13150A>G (NM_001198945.2); c.252-2330A>G (NM_001198943.1); c.48-2330A>G (NM_001198942.1, NM_001198944.1, NM_032980.4 and 1 more transcripts).
Identifiers: ClinVar variation 1603629 (VCV001603629.13), dbSNP rs369005625, ClinGen allele CA8935546.
Genomic context (GRCh38, chr18:34,825,263, plus strand): 5'-TATTGCTTGTAAATATTACCATGATTAACGGTCTCTATTCTGTTCAATTCTTCGCTGCCA[A>G]AAGTGATACTTGGTAAGTAGTGCAGTCATTTCCAGTCTACTTACAAAGATGTATAATCAT-3'

ClinVar aggregate classification (germline): Benign/Likely benign. Review status: criteria provided, multiple submitters, no conflicts (2 of 4 stars). 3 submissions from 3 submitters: Benign (1); Likely benign (1). 1 of the submissions does not count toward it. Last evaluated 2025-09-10.

Conditions:
Left ventricular noncompaction 1 (LVNC1). Also called: LEFT VENTRICULAR NONCOMPACTION 1 WITH OR WITHOUT CONGENITAL HEART DEFECTS. Identifiers: Orphanet 54260, MedGen C1858725, MONDO:0011403, OMIM 604169.
DTNA-related disorder. Also called: DTNA-related condition.

Allele frequency attached by ClinVar (database versions not stated): gnomAD exomes 0.00004 and 0.00020; TOPMed 0.00007; gnomAD 0.00008 and 0.00009; 1000 Genomes Project 30x 0.00016; ExAC 0.00018; 1000 Genomes Project 0.00020.
gnomAD v4.1: 80 of 1,613,450 alleles (0.005%); highest among the groups gnomAD compares: East Asian, 0.17%; 1 homozygote.

Submissions (5):

Labcorp Genetics (formerly Invitae), Labcorp
Classification: Benign for Left ventricular noncompaction 1. Last evaluated: 2025-09-10. Review status: criteria provided, single submitter. Criteria: Invitae Variant Classification Sherloc (09022015). Collection method: clinical testing. Allele origin: germline.

Blueprint Genetics
Classification: Likely benign. Last evaluated: 2019-09-27. Review status: criteria provided, single submitter. Criteria: ACMG Guidelines, 2015. Collection method: clinical testing. Allele origin: germline.

PreventionGenetics, part of Exact Sciences
Classification: Likely benign for DTNA-related condition. Last evaluated: 2019-06-13. Review status: no assertion criteria provided. Collection method: clinical testing. Allele origin: germline. Not counted in ClinVar's aggregate classification.
Comment: This variant is classified as likely benign based on ACMG/AMP sequence variant interpretation guidelines (Richards et al. 2015 PMID: 25741868, with internal and published modifications).

Dr. Peter K. Rogan Lab, Western University
No classification provided (evidence only). Condition: Gastric cancer. Review status: no classification provided. Collection method: in vitro. Allele origin: not applicable. Functional consequence: retained intron. Not counted in ClinVar's aggregate classification.

Dr. Peter K. Rogan Lab, Western University
No classification provided (evidence only). Condition: Malignant tumor of esophagus. Review status: no classification provided. Collection method: in vitro. Allele origin: not applicable. Functional consequence: retained intron. Not counted in ClinVar's aggregate classification.